The following is an entry in ClinVar:

ClinVar aggregate classification (germline): Pathogenic (1 of 4 stars; one submission).

Conditions:
Hereditary spherocytosis type 2. Also called: SPHEROCYTOSIS, TYPE 2, AUTOSOMAL DOMINANT. Identifiers: Orphanet 822, MedGen C2674219, MONDO:0000913, OMIM 616649.

Submission:

Juno Genomics, Hangzhou Juno Genomics, Inc
Classification: Pathogenic for Hereditary spherocytosis type 2. Review status: criteria provided, single submitter. Criteria: ACMG Guidelines, 2015. Collection method: clinical testing. Allele origin: germline. Affected: yes.
Comment: Absent from controls (or at extremely low frequency if recessive) in Genome Aggregation Database, Exome Sequencing Project, 1000 Genomes Project, or Exome Aggregation Consortium.;Null variant in a gene where loss of function (LOF) is a known mechanism of disease.;Patient's phenotype or family history is highly specific for a disease with a single genetic etiology.

NM_001355436.2(SPTB):c.3055C>T (p.Gln1019Ter)

Gene: SPTB (spectrin beta, erythrocytic; minus strand). Cytogenetic location: 14q23.3.
Variant type: single nucleotide variant.
Coding change: c.3055C>T on transcript NM_001355436.2 (MANE Select); coding-DNA position 3055, C replaced by T.
Protein change: p.Gln1019Ter; replaces glutamine 1019 with a stop codon.
Molecular consequence: nonsense.
Genome position (GRCh38, 1-based): chr14:64,786,910, G>A on the plus strand (C>T on the coding strand, the complement: SPTB is on the minus strand). VCF-style: chr14-64786910-G-A. GRCh37 (hg19) VCF-style: chr14-65253628-G-A.
Other names: c.3055C>T, p.Gln1019Ter (NM_001024858.4, NM_001355437.2); short protein forms Q1019*.
Identifiers: ClinVar variation 3383119 (VCV003383119.2).
Genomic context (GRCh38, chr14:64,786,910, plus strand): 5'-AGTGTTTTTGCCGCTGACCAATATCCTCCTTCTGCTCAGGGTGCGAGTCCATCAGCTGCT[G>A]GGACTCACGCTCCAGGGCATCCACACGGGCCTGGATGGCGGCCACGTCACGCTCCAGCCC-3'